The following is an entry in ClinVar:

NM_015338.6(ASXL1):c.4003A>G (p.Ser1335Gly)

Gene: ASXL1 (ASXL transcriptional regulator 1; plus strand). Cytogenetic location: 20q11.21.
Variant type: single nucleotide variant.
Coding change: c.4003A>G on transcript NM_015338.6 (MANE Select); coding-DNA position 4003, A replaced by G.
Protein change: p.Ser1335Gly; replaces serine 1335 with glycine.
Molecular consequence: missense variant.
Genome position (GRCh38, 1-based): chr20:32,436,715, A>G. VCF-style: chr20-32436715-A-G. GRCh37 (hg19) VCF-style: chr20-31024518-A-G.
Other names: c.3820A>G, p.Ser1274Gly (NM_001363734.1); short protein forms S1274G, S1335G.
Identifiers: ClinVar variation 3793390 (VCV003793390.1).

ClinVar aggregate classification (germline): Uncertain significance (1 of 4 stars; one submission).

Conditions:
Inborn genetic diseases. Identifiers: MedGen C0950123, MeSH D030342.

gnomAD v4.1: 2 of 1,613,970 alleles (0.00012%); highest among the groups gnomAD compares: South Asian, 0.0022%; no homozygotes.

Submission:

Ambry Genetics
Classification: Uncertain significance for Inborn genetic diseases. Last evaluated: 2025-02-09. Review status: criteria provided, single submitter. Criteria: Ambry Variant Classification Scheme 2023. Collection method: clinical testing. Allele origin: germline.
Comment: The p.S1335G variant (also known as c.4003A>G), located in coding exon 13 of the ASXL1 gene, results from an A to G substitution at nucleotide position 4003. The serine at codon 1335 is replaced by glycine, an amino acid with similar properties. This amino acid position is conserved. In addition, this alteration is predicted to be tolerated by in silico analysis. Based on the available evidence, the clinical significance of this variant remains unclear.